The following is an entry in ClinVar:

ClinVar aggregate classification (germline): Uncertain significance. Review status: criteria provided, multiple submitters, no conflicts (2 of 4 stars). 2 submissions from 2 submitters: Uncertain significance (2). Last evaluated 2022-08-31.

Allele frequency attached by ClinVar (database versions not stated): ExAC 0.00003; gnomAD exomes 0.00003; gnomAD 0.00007 and 0.00008; TOPMed 0.00007; ESP Exome Variant Server 0.00008.
gnomAD v4.1: 70 of 1,612,390 alleles (0.0043%); highest among the groups gnomAD compares: African/African-American, 0.011%; no homozygotes.

Submissions (2):

Labcorp Genetics (formerly Invitae), Labcorp
Classification: Uncertain significance. Last evaluated: 2022-08-31. Review status: criteria provided, single submitter. Criteria: Invitae Variant Classification Sherloc (09022015). Collection method: clinical testing. Allele origin: germline.
Comment: This sequence change replaces alanine, which is neutral and non-polar, with valine, which is neutral and non-polar, at codon 171 of the ASNS protein (p.Ala171Val). This variant is present in population databases (rs138299423, gnomAD 0.005%). This variant has not been reported in the literature in individuals affected with ASNS-related conditions. ClinVar contains an entry for this variant (Variation ID: 1312359). Advanced modeling of protein sequence and biophysical properties (such as structural, functional, and spatial information, amino acid conservation, physicochemical variation, residue mobility, and thermodynamic stability) performed at Invitae indicates that this missense variant is not expected to disrupt ASNS protein function. In summary, the available evidence is currently insufficient to determine the role of this variant in disease. Therefore, it has been classified as a Variant of Uncertain Significance.

GeneDx
Classification: Uncertain significance. Last evaluated: 2019-09-24. Review status: criteria provided, single submitter. Criteria: GeneDx Variant Classification Process June 2021. Collection method: clinical testing. Allele origin: germline. Affected: yes.
Comment: Not observed at a significant frequency in large population cohorts (Lek et al., 2016); In silico analysis, which includes protein predictors and evolutionary conservation, supports that this variant does not alter protein structure/function; Has not been previously published as pathogenic or benign to our knowledge

NM_001673.5(ASNS):c.512C>T (p.Ala171Val)

Genes: ASNS (asparagine synthetase (glutamine-hydrolyzing); minus strand), CZ1P-ASNS (CZ1P-ASNS readthrough; minus strand). Cytogenetic location: 7q21.3.
Variant type: single nucleotide variant.
Coding change: c.512C>T on transcript NM_001673.5 (MANE Select); coding-DNA position 512, C replaced by T.
Protein change: p.Ala171Val; replaces alanine 171 with valine.
Molecular consequence: missense variant. On other transcripts: non-coding transcript variant (1).
Genome position (GRCh38, 1-based): chr7:97,859,374, G>A on the plus strand (C>T on the coding strand, the complement: ASNS is on the minus strand). VCF-style: chr7-97859374-G-A. GRCh37 (hg19) VCF-style: chr7-97488686-G-A.
Other names: c.449C>T, p.Ala150Val (NM_001178075.2); c.263C>T, p.Ala88Val (NM_001178076.2, NM_001178077.1); c.512C>T, p.Ala171Val (NM_001352496.2, NM_133436.3, NM_183356.4); short protein forms A150V, A171V, A88V.
Identifiers: ClinVar variation 1312359 (VCV001312359.3), dbSNP rs138299423, ClinGen allele CA4354752.
Genomic context (GRCh38, chr7:97,859,374, plus strand): 5'-TTTAAATCCAAAACTTCATAGTGTCCAGGAAGAAAAGGCTCCACTTTTAAAAAGGGAGTC[G>A]CGGAGTGCTTCAATGTAACAAGACCTAGAAATTCACAATGATACCTTTATTCAAATTAGG-3'
Protein context (NP_001664.3, residues 161-181): AKGLVTLKHS[Ala171Val]TPFLKVEPFL